The following is an entry in ClinVar:

NM_004408.4(DNM1):c.194C>A (p.Thr65Asn)

Genes: DNM1 (dynamin 1; plus strand), LOC113839516 (Sharpr-MPRA regulatory region 8497; plus strand). Cytogenetic location: 9q34.11.
Variant type: single nucleotide variant.
Coding change: c.194C>A on transcript NM_004408.4 (MANE Select); coding-DNA position 194, C replaced by A.
Protein change: p.Thr65Asn; replaces threonine 65 with asparagine.
Molecular consequence: missense variant.
Genome position (GRCh38, 1-based): chr9:128,218,263, C>A. VCF-style: chr9-128218263-C-A. GRCh37 (hg19) VCF-style: chr9-130980542-C-A.
Other names: c.194C>A, p.Thr65Asn (NM_001005336.3, NM_001288737.2, NM_001288738.2 and 2 more transcripts); short protein forms T65N.
Identifiers: ClinVar variation 3572927 (VCV003572927.1).

ClinVar aggregate classification (germline): Pathogenic (1 of 4 stars; one submission).

Conditions:
Developmental and epileptic encephalopathy. Identifiers: MedGen C5779964, MONDO:0100620.

Submission:

Center for Genomics, Ann and Robert H. Lurie Children's Hospital of Chicago
Classification: Pathogenic for Developmental and epileptic encephalopathy. Last evaluated: 2024-12-26. Review status: criteria provided, single submitter. Criteria: ACMG Guidelines, 2015. Collection method: clinical testing. Allele origin: de novo.
Comment: This variant has been reported in the literature as de novo in at least two unrelated individuals with features consistent with developmental and epileptic encephalopathy, hypotonia, developmental delay, and others (Appenzeller 2014 PMID: 25262651; Kim 2023 PMID: 37248033). It is located in the GTPase domain of the encoded protein and the Thr65 residue has been shown to have functional importance (Chappie 2010 PMID: 20428113). Evolutionary conservation and computational prediction tools strongly support that this variant likely impacts protein structure and/or function. It is not present in gnomAD. In summary, this variant is classified as pathogenic.

Literature cited by the submitters: PubMed 25262651; PubMed 37248033; PubMed 20428113.